The following is an entry in ClinVar:

ClinVar aggregate classification (germline): Uncertain significance (1 of 4 stars; one submission).

Conditions:
Dyskeratosis congenita, autosomal dominant 2. Identifiers: MedGen C3151443, MONDO:0013521, OMIM 613989.
Idiopathic Pulmonary Fibrosis. Also called: Idiopathic fibrosing alveolitis, chronic form; idiopathic fibrosing alveolitis. Identifiers: Orphanet 2032, MedGen C1800706, MeSH D054990, MONDO:0800504.

Allele frequency attached by ClinVar (database versions not stated): TOPMed below 0.00001.

Submission:

Labcorp Genetics (formerly Invitae), Labcorp
Classification: Uncertain significance for Dyskeratosis congenita, autosomal dominant 2; Idiopathic Pulmonary Fibrosis. Last evaluated: 2023-08-20. Review status: criteria provided, single submitter. Criteria: Invitae Variant Classification Sherloc (09022015). Collection method: clinical testing. Allele origin: germline.
Comment: This sequence change replaces proline, which is neutral and non-polar, with serine, which is neutral and polar, at codon 193 of the TERT protein (p.Pro193Ser). This variant is not present in population databases (gnomAD no frequency). This variant has not been reported in the literature in individuals affected with TERT-related conditions. ClinVar contains an entry for this variant (Variation ID: 641531). Advanced modeling of protein sequence and biophysical properties (such as structural, functional, and spatial information, amino acid conservation, physicochemical variation, residue mobility, and thermodynamic stability) performed at Invitae indicates that this missense variant is not expected to disrupt TERT protein function. In summary, the available evidence is currently insufficient to determine the role of this variant in disease. Therefore, it has been classified as a Variant of Uncertain Significance.

NM_198253.3(TERT):c.577C>T (p.Pro193Ser)

Gene: TERT (telomerase reverse transcriptase; minus strand). Cytogenetic location: 5p15.33.
Variant type: single nucleotide variant.
Coding change: c.577C>T on transcript NM_198253.3 (MANE Select); coding-DNA position 577, C replaced by T.
Protein change: p.Pro193Ser; replaces proline 193 with serine.
Molecular consequence: missense variant. On other transcripts: non-coding transcript variant (2).
Genome position (GRCh38, 1-based): chr5:1,294,309, G>A on the plus strand (C>T on the coding strand, the complement: TERT is on the minus strand). VCF-style: chr5-1294309-G-A. GRCh37 (hg19) VCF-style: chr5-1294424-G-A.
Other names: c.577C>T, p.Pro193Ser (NM_001193376.3); short protein forms P193S.
Identifiers: ClinVar variation 641531 (VCV000641531.9), dbSNP rs1271112115, ClinGen allele CA359057363.
Genomic context (GRCh38, chr5:1,294,309, plus strand): 5'-GGACCCCGGCCTCCCTGACGCTATGGTTCCAGGCCCGTTCGCATCCCAGACGCCTTCGGG[G>A]TCCACTAGCGTGTGGCGGGGGCCGGGCCTGAGTGGCAGCGCCGAGCTGGTACAGCGGCGG-3'
Protein context (NP_937983.2, residues 183-203): QARPPPHASG[Pro193Ser]RRRLGCERAW